The following is an entry in ClinVar:

ClinVar aggregate classification (germline): Uncertain significance (1 of 4 stars; one submission).

Allele frequency attached by ClinVar (database versions not stated): gnomAD exomes below 0.00001.
gnomAD v4.1: 2 of 1,614,176 alleles (0.00012%); highest among the groups gnomAD compares: Non-Finnish European, 0.00017%; no homozygotes.

Submission:

GeneDx
Classification: Uncertain significance. Last evaluated: 2023-03-21. Review status: criteria provided, single submitter. Criteria: GeneDx Variant Classification Process June 2021. Collection method: clinical testing. Allele origin: germline. Affected: yes.
Comment: Not observed at significant frequency in large population cohorts (gnomAD); In silico analysis supports that this missense variant has a deleterious effect on protein structure/function; Has not been previously published as pathogenic or benign to our knowledge

NM_004817.4(TJP2):c.2415G>T (p.Gln805His)

Gene: TJP2 (tight junction protein 2; plus strand). Cytogenetic location: 9q21.11.
Variant type: single nucleotide variant.
Coding change: c.2415G>T on transcript NM_004817.4 (MANE Select); coding-DNA position 2415, G replaced by T.
Protein change: p.Gln805His; replaces glutamine 805 with histidine.
Molecular consequence: missense variant.
Genome position (GRCh38, 1-based): chr9:69,239,996, G>T. VCF-style: chr9-69239996-G-T. GRCh37 (hg19) VCF-style: chr9-71854912-G-T.
Other names: c.2346G>T, p.Gln782His (NM_001170414.2, NM_001369871.1); c.2427G>T, p.Gln809His (NM_001170415.1, NM_001369874.1, NM_001369875.1); c.2508G>T, p.Gln836His (NM_001170416.2); c.2340G>T, p.Gln780His (NM_001369870.1); c.2415G>T, p.Gln805His (NM_001369872.1, NM_001369873.1, NM_201629.3); short protein forms Q780H, Q782H, Q805H, Q809H, Q836H.
Identifiers: ClinVar variation 2580399 (VCV002580399.1), dbSNP rs2538614087, ClinGen allele CA373534100.